The following is an entry in ClinVar:

NM_001289808.2(CRYAB):c.106G>A (p.Asp36Asn)

Gene: CRYAB (crystallin alpha B; minus strand). Cytogenetic location: 11q23.1.
Variant type: single nucleotide variant.
Coding change: c.106G>A on transcript NM_001289808.2 (MANE Select); coding-DNA position 106, G replaced by A.
Protein change: p.Asp36Asn; replaces aspartic acid 36 with asparagine.
Molecular consequence: missense variant.
Genome position (GRCh38, 1-based): chr11:111,911,619, C>T on the plus strand (G>A on the coding strand, the complement: CRYAB is on the minus strand). VCF-style: chr11-111911619-C-T. GRCh37 (hg19) VCF-style: chr11-111782343-C-T.
Other names: c.106G>A, p.Asp36Asn (NM_001289807.1, NM_001368245.1, NM_001885.3); short protein forms D36N.
Identifiers: ClinVar variation 4748920 (VCV004748920.1).

ClinVar aggregate classification (germline): Uncertain significance (1 of 4 stars; one submission).

Conditions:
Dilated cardiomyopathy 1II (CMD1II). Identifiers: Orphanet 154, MedGen C3554649, MONDO:0014073, OMIM 615184.

Submission:

Labcorp Genetics (formerly Invitae), Labcorp
Classification: Uncertain significance for Dilated cardiomyopathy 1II. Last evaluated: 2025-12-16. Review status: criteria provided, single submitter. Criteria: Invitae Variant Classification Sherloc (09022015). Collection method: clinical testing. Allele origin: germline.
Comment: This sequence change replaces aspartic acid, which is acidic and polar, with asparagine, which is neutral and polar, at codon 36 of the CRYAB protein (p.Asp36Asn). This variant is not present in population databases (gnomAD no frequency). This variant has not been reported in the literature in individuals affected with CRYAB-related conditions. An algorithm developed to predict the effect of missense changes on protein structure and function (PolyPhen-2) suggests that this variant is likely to be disruptive. In summary, the available evidence is currently insufficient to determine the role of this variant in disease. Therefore, it has been classified as a Variant of Uncertain Significance.